The following is an entry in ClinVar:

NM_000540.3(RYR1):c.9882C>T (p.Ser3294=)

Gene: RYR1 (ryanodine receptor 1; plus strand). Cytogenetic location: 19q13.2.
Variant type: single nucleotide variant.
Coding change: c.9882C>T on transcript NM_000540.3 (MANE Select); coding-DNA position 9882, C replaced by T.
Protein change: p.Ser3294=; no amino-acid change (serine 3294 retained).
Molecular consequence: synonymous variant.
Genome position (GRCh38, 1-based): chr19:38,517,555, C>T. VCF-style: chr19-38517555-C-T. GRCh37 (hg19) VCF-style: chr19-39008195-C-T.
Other names: p.Ser3294=; c.9882C>T, p.Ser3294= (NM_001042723.2).
Identifiers: ClinVar variation 159866 (VCV000159866.58), dbSNP rs142610625, ClinGen allele CA025009.
Genomic context (GRCh38, chr19:38,517,555, plus strand): 5'-GCCCATGCTATGCAGCTACCTGCCCCGATGGTGGGAGCGCGGGCCCGAGGCACCCCCTTC[C>T]GCCCTGCCCGCCGGCGCCCCCCCACCCTGCACAGCTGTCACCTCTGACCACCTCAACTCC-3'
Protein context (NP_000531.2, residues 3284-3304): WWERGPEAPP[Ser3294=]ALPAGAPPPC

ClinVar aggregate classification (germline): Benign/Likely benign. Review status: criteria provided, multiple submitters, no conflicts (2 of 4 stars). 12 submissions from 11 submitters: Benign (7); Likely benign (4). 1 of the submissions does not count toward it. Last evaluated 2026-09-01.

Conditions:
RYR1-related disorder. Also called: RYR1-related disorders; RYR1-related condition. Identifiers: MedGen CN239331.
Malignant hyperthermia, susceptibility to, 1 (MHS1). Also called: Malignant hyperthermia suceptibility 1; Anesthesia related hyperthermia; Malignant hyperpyrexia; Fulminating hyperpyrexia; Pharmacogenic myopathy; RYR1-Related Malignant Hyperthermia Susceptibility. Identifiers: Orphanet 423, MedGen C2930980, MONDO:0007783, OMIM 145600.
Congenital multicore myopathy with external ophthalmoplegia (CMYO1B). Also called: Congenital myopathy 1B, autosomal recessive; Minicore myopathy; MULTICORE MYOPATHY; MULTIMINICORE DISEASE WITH EXTERNAL OPHTHALMOPLEGIA; Minicore myopathy with external ophthalmoplegia. Identifiers: Orphanet 598, Orphanet 98905, MedGen C1850674, MONDO:0009712, OMIM 255320, HP:0003789.

Allele frequency attached by ClinVar (database versions not stated): gnomAD exomes 0.00082 and 0.00184; ExAC 0.00184; gnomAD 0.00443 and 0.00467; 1000 Genomes Project 30x 0.00468; TOPMed 0.00518; 1000 Genomes Project 0.00519; ESP Exome Variant Server 0.00554.
gnomAD v4.1: 1,943 of 1,613,784 alleles (0.12%); highest among the groups gnomAD compares: African/African-American, 1.4%; 7 homozygotes.

Submissions (12):

CeGaT Center for Human Genetics Tuebingen
Classification: Likely benign. Last evaluated: 2026-09-01. Review status: criteria provided, single submitter. Criteria: CeGaT Center For Human Genetics Tuebingen Variant Classification Criteria Version 2. Collection method: clinical testing. Allele origin: germline. Affected: yes. Observed: 15 variant alleles.
Comment: RYR1: BP4, BP7, BS1

Labcorp Genetics (formerly Invitae), Labcorp
Classification: Benign for RYR1-related disorder. Last evaluated: 2026-01-26. Review status: criteria provided, single submitter. Criteria: Invitae Variant Classification Sherloc (09022015). Collection method: clinical testing. Allele origin: germline.

Blueprint Genetics
Classification: Likely benign. Last evaluated: 2024-11-28. Review status: criteria provided, single submitter. Criteria: ACMG Guidelines, 2015. Collection method: clinical testing. Allele origin: germline.

Mayo Clinic Laboratories, Mayo Clinic
Classification: Benign. Last evaluated: 2024-05-21. Review status: criteria provided, single submitter. Criteria: ACMG Guidelines, 2015. Collection method: clinical testing. Allele origin: germline. Observed: 4 variant alleles.
Comment: BA1, BP4, BP7

ARUP Laboratories, Molecular Genetics and Genomics, ARUP Laboratories
Classification: Benign. Last evaluated: 2023-10-14. Review status: criteria provided, single submitter. Criteria: ARUP Molecular Germline Variant Investigation Process 2024. Collection method: clinical testing. Allele origin: germline.

Color Diagnostics, LLC DBA Color Health
Classification: Benign for Malignant hyperthermia, susceptibility to, 1. Last evaluated: 2022-08-17. Review status: criteria provided, single submitter. Criteria: ACMG Guidelines, 2015. Collection method: clinical testing. Allele origin: germline.

GeneDx
Classification: Likely benign. Last evaluated: 2021-05-27. Review status: criteria provided, single submitter. Criteria: GeneDx Variant Classification Process June 2021. Collection method: clinical testing. Allele origin: germline. Affected: yes.

Illumina Laboratory Services, Illumina
Classification: Benign for Malignant hyperthermia, susceptibility to, 1. Last evaluated: 2018-01-12. Review status: criteria provided, single submitter. Criteria: ICSL Variant Classification Criteria 13 December 2019. Collection method: clinical testing. Allele origin: germline.
Comment: This variant was observed in the ICSL laboratory as part of a predisposition screen in an ostensibly healthy population. It had not been previously curated by ICSL or reported in the Human Gene Mutation Database (HGMD: prior to June 1st, 2018), and was therefore a candidate for classification through an automated scoring system. Utilizing variant allele frequency, disease prevalence and penetrance estimates, and inheritance mode, an automated score was calculated to assess if this variant is too frequent to cause the disease. Based on the score and internal cut-off values, a variant classified as benign is not then subjected to further curation. The score for this variant resulted in a classification of benign for this disease.

Illumina Laboratory Services, Illumina
Classification: Benign for Congenital multicore myopathy with external ophthalmoplegia. Last evaluated: 2018-01-12. Review status: criteria provided, single submitter. Criteria: ICSL Variant Classification Criteria 13 December 2019. Collection method: clinical testing. Allele origin: germline.
Comment: the same text as in the submission from Illumina Laboratory Services, Illumina above.

PreventionGenetics, part of Exact Sciences
Classification: Benign. Last evaluated: 2016-06-20. Review status: criteria provided, single submitter. Criteria: ACMG Guidelines, 2015. Collection method: clinical testing. Allele origin: germline.

Breakthrough Genomics
Classification: Likely benign. Review status: criteria provided, single submitter. Criteria: ACMG Guidelines, 2015. Collection method: not provided. Allele origin: germline. Inheritance: Autosomal recessive inheritance. Affected: yes.

Genetic Services Laboratory, University of Chicago
Classification: Likely benign. Review status: no assertion criteria provided. Collection method: clinical testing. Allele origin: germline. Inheritance: Autosomal unknown. Not counted in ClinVar's aggregate classification.
Comment: Likely benign based on allele frequency in 1000 Genomes Project or ESP global frequency and its presence in a patient with a rare or unrelated disease phenotype. NOT Sanger confirmed